The following is an entry in ClinVar:

ClinVar aggregate classification (germline): Benign (3 of 4 stars; one submission).

Conditions:
Breast-ovarian cancer, familial, susceptibility to, 2 (BROVCA2). Also called: BRCA2 Hereditary Breast and Ovarian Cancer. Identifiers: Orphanet 145, MedGen C2675520, MONDO:0012933, OMIM 612555. Disease mechanism: loss of function.

Allele frequency attached by ClinVar (database versions not stated): 1000 Genomes Project 0.00679; 1000 Genomes Project 30x 0.00734; gnomAD 0.00773 and 0.00845; TOPMed 0.00804.
gnomAD v4.1: 1,049 of 136,584 alleles (0.77%); highest among the groups gnomAD compares: African/African-American, 2.8%; 13 homozygotes.

Submission:

Evidence-based Network for the Interpretation of Germline Mutant Alleles (ENIGMA)
Classification: Benign for Breast-ovarian cancer, familial 2. Last evaluated: 2015-01-12. Review status: reviewed by expert panel. Criteria: ENIGMA BRCA1/2 Classification Criteria (2015). Collection method: curation. Allele origin: germline.
Comment: Class 1 not pathogenic based on frequency >1% in an outbred sampleset. Frequency 0.03049 (African), derived from 1000 genomes (2012-04-30).

NM_000059.4(BRCA2):c.7805+539C>G

Gene: BRCA2 (BRCA2 DNA repair associated; plus strand). Cytogenetic location: 13q13.1.
Variant type: single nucleotide variant.
Coding change: c.7805+539C>G on transcript NM_000059.4 (MANE Select); 539 bases into the intron after coding-DNA position 7805, C replaced by G.
Molecular consequence: intron variant.
Genome position (GRCh38, 1-based): chr13:32,358,468, C>G. VCF-style: chr13-32358468-C-G. GRCh37 (hg19) VCF-style: chr13-32932605-C-G.
Other names: IVS 16+539C>G.
Identifiers: ClinVar variation 209760 (VCV000209760.1), dbSNP rs75002749, ClinGen allele CA276728.